The following is an entry in ClinVar:

NM_002637.4(PHKA1):c.3538C>A (p.Pro1180Thr)

Gene: PHKA1 (phosphorylase kinase regulatory subunit alpha 1; minus strand). Cytogenetic location: Xq13.1.
Variant type: single nucleotide variant.
Coding change: c.3538C>A on transcript NM_002637.4 (MANE Select); coding-DNA position 3538, C replaced by A.
Protein change: p.Pro1180Thr; replaces proline 1180 with threonine.
Molecular consequence: missense variant.
Genome position (GRCh38, 1-based): chrX:72,581,136, G>T on the plus strand (C>A on the coding strand, the complement: PHKA1 is on the minus strand). VCF-style: chrX-72581136-G-T. GRCh37 (hg19) VCF-style: chrX-71800986-G-T.
Other names: c.3499C>A, p.Pro1167Thr (NM_001122670.2); c.3322C>A, p.Pro1108Thr (NM_001172436.2); c.3538C>A (NM_002637.3); short protein forms P1167T, P1108T, P1180T.
Identifiers: ClinVar variation 2156158 (VCV002156158.5), dbSNP rs367578548, ClinGen allele CA10450437.
Genomic context (GRCh38, chrX:72,581,136, plus strand): 5'-TGGTGCCAAACCTGCCACTGGGTGCACTGTCATACAGAAGAGTACAGATGCCAGATGCGG[G>T]ATCCTTTGCCAACATGGTATCATCTGCGCCAAGGGTTTTCTGTTTGGTTTTTAAGGGTAG-3'
Protein context (NP_002628.2, residues 1170-1190): GADDTMLAKD[Pro1180Thr]ASGICTLLYD

ClinVar aggregate classification (germline): Uncertain significance. Review status: criteria provided, multiple submitters, no conflicts (2 of 4 stars). 2 submissions from 2 submitters: Uncertain significance (2). Last evaluated 2024-06-04.

Conditions:
Glycogen storage disease IXd (GSD9D). Also called: GSD IXd; Muscle Phosphorylase Kinase Deficiency. Identifiers: Orphanet 715, MedGen C1845151, MONDO:0010362, OMIM 300559.
Inborn genetic diseases. Identifiers: MedGen C0950123, MeSH D030342.

Allele frequency attached by ClinVar (database versions not stated): ExAC 0.00001; gnomAD exomes 0.00001; gnomAD 0.00003; TOPMed 0.00004; ESP Exome Variant Server 0.00009.
gnomAD v4.1: 11 of 1,198,298 alleles (0.00092%); highest among the groups gnomAD compares: African/African-American, 0.0018%; no homozygotes.

Submissions (2):

Ambry Genetics
Classification: Uncertain significance for Inborn genetic diseases. Last evaluated: 2024-06-04. Review status: criteria provided, single submitter. Criteria: Ambry Variant Classification Scheme 2023. Collection method: clinical testing. Allele origin: germline.

Labcorp Genetics (formerly Invitae), Labcorp
Classification: Uncertain significance for Glycogen storage disease IXd. Last evaluated: 2023-12-19. Review status: criteria provided, single submitter. Criteria: Invitae Variant Classification Sherloc (09022015). Collection method: clinical testing. Allele origin: germline.
Comment: This sequence change replaces proline, which is neutral and non-polar, with threonine, which is neutral and polar, at codon 1180 of the PHKA1 protein (p.Pro1180Thr). This variant is present in population databases (rs367578548, gnomAD 0.008%). This variant has not been reported in the literature in individuals affected with PHKA1-related conditions. ClinVar contains an entry for this variant (Variation ID: 2156158). An algorithm developed to predict the effect of missense changes on protein structure and function (PolyPhen-2) suggests that this variant is likely to be tolerated. In summary, the available evidence is currently insufficient to determine the role of this variant in disease. Therefore, it has been classified as a Variant of Uncertain Significance.